The following is an entry in ClinVar:

ClinVar aggregate classification (germline): Likely benign (1 of 4 stars; one submission).

Conditions:
C1QTNF12-related condition.

gnomAD v4.1: 2 of 1,234,408 alleles (0.00016%); highest among the groups gnomAD compares: East Asian, 0.0032%; no homozygotes.

Submission:

PreventionGenetics, part of Exact Sciences
Classification: Likely benign for C1QTNF12-related condition. Last evaluated: 2026-06-03. Review status: criteria provided, single submitter. Criteria: ACMG Guidelines, 2015. Collection method: clinical testing. Allele origin: germline.
Comment: This variant is classified as likely benign based on ACMG/AMP sequence variant interpretation guidelines (Richards et al. 2015 PMID: 25741868, with internal and published modifications).

NM_001014980.3(C1QTNF12):c.45G>A (p.Pro15=)

Gene: C1QTNF12 (C1q and TNF related 12; minus strand). Cytogenetic location: 1p36.33.
Variant type: single nucleotide variant.
Coding change: c.45G>A on transcript NM_001014980.3 (MANE Select); coding-DNA position 45, G replaced by A.
Protein change: p.Pro15=; no amino-acid change (proline 15 retained).
Molecular consequence: synonymous variant.
Genome position (GRCh38, 1-based): chr1:1,246,646, C>T on the plus strand (G>A on the coding strand, the complement: C1QTNF12 is on the minus strand). VCF-style: chr1-1246646-C-T. GRCh37 (hg19) VCF-style: chr1-1182026-C-T.
Identifiers: ClinVar variation 4978058 (VCV004978058.1).